The following is an entry in ClinVar:

NM_001042492.3(NF1):c.4772G>T (p.Ser1591Ile)

Gene: NF1 (neurofibromin 1; plus strand). Cytogenetic location: 17q11.2.
Variant type: single nucleotide variant.
Coding change: c.4772G>T on transcript NM_001042492.3 (MANE Select); coding-DNA position 4772, G replaced by T.
Protein change: p.Ser1591Ile; replaces serine 1591 with isoleucine.
Molecular consequence: missense variant.
Genome position (GRCh38, 1-based): chr17:31,265,276, G>T. VCF-style: chr17-31265276-G-T. GRCh37 (hg19) VCF-style: chr17-29592294-G-T.
Other names: c.4709G>T, p.Ser1570Ile (NM_000267.4); short protein forms S1570I, S1591I.
Identifiers: ClinVar variation 4860925 (VCV004860925.2).
Genomic context (GRCh38, chr17:31,265,276, plus strand): 5'-ATTTTTCTTTTAGGCATCAGGTACATGAAAAAGAAGAATTCAAGGCTTTGAAAACGTTAA[G>T]TATTTTCTACCAAGCTGGGACTTCCAAAGCTGGGAATCCTATTTTTTATTATGTTGCACG-3'
Protein context (NP_001035957.1, residues 1581-1601): KEEFKALKTL[Ser1591Ile]IFYQAGTSKA

ClinVar aggregate classification (germline): Uncertain significance. Review status: criteria provided, multiple submitters, no conflicts (2 of 4 stars). 2 submissions from 2 submitters: Uncertain significance (2). Last evaluated 2026-04-21.

Conditions:
Cardiovascular phenotype. Identifiers: MedGen CN230736.
Hereditary cancer-predisposing syndrome. Also called: Neoplastic Syndromes, Hereditary; Tumor predisposition; Hereditary neoplastic syndrome; Hereditary Cancer Syndrome. Identifiers: Orphanet 140162, MedGen C0027672, MeSH D009386, MONDO:0015356.

Submissions (2):

Ambry Genetics
Classification: Uncertain significance for Cardiovascular phenotype; Hereditary cancer-predisposing syndrome. Last evaluated: 2026-04-21. Review status: criteria provided, single submitter. Criteria: Ambry Variant Classification Scheme 2023. Collection method: clinical testing. Allele origin: germline.
Comment: The p.S1570I variant (also known as c.4709G>T), located in coding exon 35 of the NF1 gene, results from a G to T substitution at nucleotide position 4709. The serine at codon 1570 is replaced by isoleucine, an amino acid with dissimilar properties. This amino acid position is not well conserved in available vertebrate species. In addition, this alteration is predicted to be tolerated by in silico analysis. Based on the available evidence, the clinical significance of this variant remains unclear.

Blueprint Genetics
Classification: Uncertain significance. Last evaluated: 2018-10-30. Review status: criteria provided, single submitter. Criteria: ACMG Guidelines, 2015. Collection method: clinical testing. Allele origin: germline.